The following is an entry in ClinVar:

NM_018263.6(ASXL2):c.427G>A (p.Gly143Ser)

Gene: ASXL2 (ASXL transcriptional regulator 2; minus strand). Cytogenetic location: 2p23.3.
Variant type: single nucleotide variant.
Coding change: c.427G>A on transcript NM_018263.6 (MANE Select); coding-DNA position 427, G replaced by A.
Protein change: p.Gly143Ser; replaces glycine 143 with serine.
Molecular consequence: missense variant. On other transcripts: 5 prime UTR variant (1).
Genome position (GRCh38, 1-based): chr2:25,771,517, C>T on the plus strand (G>A on the coding strand, the complement: ASXL2 is on the minus strand). VCF-style: chr2-25771517-C-T. GRCh37 (hg19) VCF-style: chr2-25994386-C-T.
Other names: c.253G>A, p.Gly85Ser (NM_001369346.1); c.-354G>A (NM_001369347.1); short protein forms G143S, G85S.
Identifiers: ClinVar variation 1355093 (VCV001355093.8), dbSNP rs2149155601, ClinGen allele CA346083476.

ClinVar aggregate classification (germline): Uncertain significance (1 of 4 stars; one submission).

Submission:

Labcorp Genetics (formerly Invitae), Labcorp
Classification: Uncertain significance. Last evaluated: 2023-10-13. Review status: criteria provided, single submitter. Criteria: Invitae Variant Classification Sherloc (09022015). Collection method: clinical testing. Allele origin: germline.
Comment: This sequence change replaces glycine, which is neutral and non-polar, with serine, which is neutral and polar, at codon 143 of the ASXL2 protein (p.Gly143Ser). This variant is not present in population databases (gnomAD no frequency). This variant has not been reported in the literature in individuals affected with ASXL2-related conditions. ClinVar contains an entry for this variant (Variation ID: 1355093). Advanced modeling of protein sequence and biophysical properties (such as structural, functional, and spatial information, amino acid conservation, physicochemical variation, residue mobility, and thermodynamic stability) performed at Invitae indicates that this missense variant is not expected to disrupt ASXL2 protein function. In summary, the available evidence is currently insufficient to determine the role of this variant in disease. Therefore, it has been classified as a Variant of Uncertain Significance.